The following is an entry in ClinVar:

ClinVar aggregate classification (germline): Uncertain significance. Review status: criteria provided, multiple submitters, no conflicts (2 of 4 stars). 2 submissions from 2 submitters: Uncertain significance (2). Last evaluated 2026-04-13.

Conditions:
Hereditary cancer-predisposing syndrome. Also called: Tumor predisposition; Hereditary Cancer Syndrome; Hereditary neoplastic syndrome; Neoplastic Syndromes, Hereditary. Identifiers: Orphanet 140162, MedGen C0027672, MeSH D009386, MONDO:0015356.
Neuroblastoma, susceptibility to, 3. Also called: ALK-Related Neuroblastic Tumor Susceptibility. Identifiers: Orphanet 635, MedGen C2751681, MONDO:0013083, OMIM 613014.

Submissions (2):

Ambry Genetics
Classification: Uncertain significance for Hereditary cancer-predisposing syndrome. Last evaluated: 2026-04-13. Review status: criteria provided, single submitter. Criteria: Ambry Variant Classification Scheme 2023. Collection method: clinical testing. Allele origin: germline.
Comment: The p.S1334T variant (also known as c.4001G>C), located in coding exon 27 of the ALK gene, results from a G to C substitution at nucleotide position 4001. The serine at codon 1334 is replaced by threonine, an amino acid with similar properties. This amino acid position is conserved. In addition, the in silico prediction for this alteration is inconclusive. Based on the available evidence, the clinical significance of this variant remains unclear.

Labcorp Genetics (formerly Invitae), Labcorp
Classification: Uncertain significance for Neuroblastoma, susceptibility to, 3. Last evaluated: 2022-03-27. Review status: criteria provided, single submitter. Criteria: Invitae Variant Classification Sherloc (09022015). Collection method: clinical testing. Allele origin: germline.
Comment: This sequence change replaces serine, which is neutral and polar, with threonine, which is neutral and polar, at codon 1334 of the ALK protein (p.Ser1334Thr). This variant is not present in population databases (gnomAD no frequency). In summary, the available evidence is currently insufficient to determine the role of this variant in disease. Therefore, it has been classified as a Variant of Uncertain Significance. Algorithms developed to predict the effect of missense changes on protein structure and function are either unavailable or do not agree on the potential impact of this missense change (SIFT: "Deleterious"; PolyPhen-2: "Benign"; Align-GVGD: "Class C0"). This variant has not been reported in the literature in individuals affected with ALK-related conditions.

NM_004304.5(ALK):c.4001G>C (p.Ser1334Thr)

Gene: ALK (ALK receptor tyrosine kinase; minus strand). Cytogenetic location: 2p23.2.
Variant type: single nucleotide variant.
Coding change: c.4001G>C on transcript NM_004304.5 (MANE Select); coding-DNA position 4001, G replaced by C.
Protein change: p.Ser1334Thr; replaces serine 1334 with threonine.
Molecular consequence: missense variant.
Genome position (GRCh38, 1-based): chr2:29,197,614, C>G on the plus strand (G>C on the coding strand, the complement: ALK is on the minus strand). VCF-style: chr2-29197614-C-G. GRCh37 (hg19) VCF-style: chr2-29420480-C-G.
Other names: c.797G>C, p.Ser266Thr (NM_001353765.2); c.4001G>C (NM_004304.4); short protein forms S266T, S1334T.
Identifiers: ClinVar variation 2118284 (VCV002118284.5), dbSNP rs1209406542, ClinGen allele CA346466157.